The following is an entry in ClinVar:

NM_000275.3(OCA2):c.1891G>A (p.Gly631Arg)

Gene: OCA2 (OCA2 melanosomal transmembrane protein; minus strand). Cytogenetic location: 15q13.1.
Variant type: single nucleotide variant.
Coding change: c.1891G>A on transcript NM_000275.3 (MANE Select); coding-DNA position 1891, G replaced by A.
Protein change: p.Gly631Arg; replaces glycine 631 with arginine.
Molecular consequence: missense variant.
Genome position (GRCh38, 1-based): chr15:27,951,844, C>T on the plus strand (G>A on the coding strand, the complement: OCA2 is on the minus strand). VCF-style: chr15-27951844-C-T. GRCh37 (hg19) VCF-style: chr15-28196990-C-T.
Other names: c.1819G>A, p.Gly607Arg (NM_001300984.2); short protein forms G631R, G607R.
Identifiers: ClinVar variation 436093 (VCV000436093.7), dbSNP rs1555440003, ClinGen allele CA391364438.

ClinVar aggregate classification (germline): Uncertain significance. Review status: criteria provided, multiple submitters, no conflicts (2 of 4 stars). 2 submissions from 2 submitters: Uncertain significance (2). Last evaluated 2022-03-13.

Allele frequency attached by ClinVar (database versions not stated): gnomAD exomes below 0.00001; TOPMed below 0.00001; gnomAD 0.00001.
gnomAD v4.1: 4 of 1,613,920 alleles (0.00025%); highest among the groups gnomAD compares: African/African-American, 0.004%; no homozygotes.

Submissions (2):

Labcorp Genetics (formerly Invitae), Labcorp
Classification: Uncertain significance. Last evaluated: 2022-03-13. Review status: criteria provided, single submitter. Criteria: Invitae Variant Classification Sherloc (09022015). Collection method: clinical testing. Allele origin: germline.
Comment: This sequence change replaces glycine, which is neutral and non-polar, with arginine, which is basic and polar, at codon 631 of the OCA2 protein (p.Gly631Arg). This variant is not present in population databases (gnomAD no frequency). This variant has not been reported in the literature in individuals affected with OCA2-related conditions. ClinVar contains an entry for this variant (Variation ID: 436093). Algorithms developed to predict the effect of missense changes on protein structure and function (SIFT, PolyPhen-2, Align-GVGD) all suggest that this variant is likely to be disruptive. In summary, the available evidence is currently insufficient to determine the role of this variant in disease. Therefore, it has been classified as a Variant of Uncertain Significance.

Genetic Services Laboratory, University of Chicago
Classification: Uncertain significance. Last evaluated: 2017-01-18. Review status: criteria provided, single submitter. Criteria: ACMG Guidelines, 2015. Collection method: clinical testing. Allele origin: germline. Affected: no.